The following is an entry in ClinVar:

ClinVar aggregate classification (germline): Uncertain significance (1 of 4 stars; one submission).

Conditions:
Familial cancer of breast. Also called: hereditary breast carcinoma; Hereditary breast cancer; BREAST CANCER, FAMILIAL. Identifiers: Orphanet 227535, MedGen C0346153, MONDO:0016419, OMIM 114480. Disease mechanism: loss of function.

Submission:

Labcorp Genetics (formerly Invitae), Labcorp
Classification: Uncertain significance for Familial cancer of breast. Last evaluated: 2025-11-11. Review status: criteria provided, single submitter. Criteria: Invitae Variant Classification Sherloc (09022015). Collection method: clinical testing. Allele origin: germline.
Comment: This sequence change replaces methionine, which is neutral and non-polar, with isoleucine, which is neutral and non-polar, at codon 331 of the CHEK2 protein (p.Met331Ile). This variant is not present in population databases (gnomAD no frequency). This variant has not been reported in the literature in individuals affected with CHEK2-related conditions. ClinVar contains an entry for this variant (Variation ID: 1499768). An algorithm developed to predict the effect of missense changes on protein structure and function (PolyPhen-2) suggests that this variant is likely to be disruptive. In summary, the available evidence is currently insufficient to determine the role of this variant in disease. Therefore, it has been classified as a Variant of Uncertain Significance.

NM_007194.4(CHEK2):c.993G>A (p.Met331Ile)

Gene: CHEK2 (checkpoint kinase 2; minus strand). Cytogenetic location: 22q12.1.
Variant type: single nucleotide variant.
Coding change: c.993G>A on transcript NM_007194.4 (MANE Select); coding-DNA position 993, G replaced by A.
Protein change: p.Met331Ile; replaces methionine 331 with isoleucine.
Molecular consequence: missense variant.
Genome position (GRCh38, 1-based): chr22:28,699,853, C>T on the plus strand (G>A on the coding strand, the complement: CHEK2 is on the minus strand). VCF-style: chr22-28699853-C-T. GRCh37 (hg19) VCF-style: chr22-29095841-C-T.
Other names: c.330G>A, p.Met110Ile (NM_001257387.3); c.792G>A, p.Met264Ile (NM_001349956.3); c.993G>A, p.Met331Ile (NM_145862.3); c.1122G>A, p.Met374Ile (NM_001005735.3); short protein forms M331I, M374I, M264I, M110I.
Identifiers: ClinVar variation 1499768 (VCV001499768.9), dbSNP rs2052758465, ClinGen allele CA411099446.